The following is an entry in ClinVar:

NM_003737.4(DCHS1):c.268A>G (p.Thr90Ala)

Gene: DCHS1 (dachsous cadherin-related 1; minus strand). Cytogenetic location: 11p15.4.
Variant type: single nucleotide variant.
Coding change: c.268A>G on transcript NM_003737.4 (MANE Select); coding-DNA position 268, A replaced by G.
Protein change: p.Thr90Ala; replaces threonine 90 with alanine.
Molecular consequence: missense variant.
Genome position (GRCh38, 1-based): chr11:6,641,346, T>C on the plus strand (A>G on the coding strand, the complement: DCHS1 is on the minus strand). VCF-style: chr11-6641346-T-C. GRCh37 (hg19) VCF-style: chr11-6662577-T-C.
Other names: short protein forms T90A.
Identifiers: ClinVar variation 3371511 (VCV003371511.2).
Genomic context (GRCh38, chr11:6,641,346, plus strand): 5'-CACGGTCCAAGACACGGGCTGTACGGACGACCCCACTGTGTTCGTCAATGGCCAGGTCTG[T>C]GCCCACGCCGCTGCCCTCTTGGGCAGAGATGAAGTACATGAGAGGAGCTGCCGTGCCTGC-3'
Protein context (NP_003728.1, residues 80-100): ISAQEGSGVG[Thr90Ala]DLAIDEHSGV

ClinVar aggregate classification (germline): Uncertain significance (1 of 4 stars; one submission).

gnomAD v4.1: 1 of 1,613,446 alleles (0.000062%); highest among the groups gnomAD compares: African/African-American, 0.0013%; no homozygotes.

Submission:

GeneDx
Classification: Uncertain significance. Last evaluated: 2025-06-11. Review status: criteria provided, single submitter. Criteria: GeneDx Variant Classification Process June 2021. Collection method: clinical testing. Allele origin: germline. Affected: yes.
Comment: Not observed at significant frequency in large population cohorts (gnomAD); In silico analysis suggests that this missense variant does not alter protein structure/function; Has not been previously published as pathogenic or benign to our knowledge